The following is an entry in ClinVar:

NM_000755.5(CRAT):c.678G>A (p.Ala226=)

Gene: CRAT (carnitine O-acetyltransferase; minus strand). Cytogenetic location: 9q34.11.
Variant type: single nucleotide variant.
Coding change: c.678G>A on transcript NM_000755.5 (MANE Select); coding-DNA position 678, G replaced by A.
Protein change: p.Ala226=; no amino-acid change (alanine 226 retained).
Molecular consequence: synonymous variant.
Genome position (GRCh38, 1-based): chr9:129,102,010, C>T on the plus strand (G>A on the coding strand, the complement: CRAT is on the minus strand). VCF-style: chr9-129102010-C-T. GRCh37 (hg19) VCF-style: chr9-131864289-C-T.
Other names: c.615G>A, p.Ala205= (NM_001257363.3, NM_001346548.2, NM_004003.4); c.681G>A, p.Ala227= (NM_001346546.2); c.678G>A, p.Ala226= (NM_001346547.2); c.558G>A, p.Ala186= (NM_001346549.2).
Identifiers: ClinVar variation 2199745 (VCV002199745.4), dbSNP rs774894297, ClinGen allele CA5275661.

ClinVar aggregate classification (germline): Uncertain significance (1 of 4 stars; one submission).

Allele frequency attached by ClinVar (database versions not stated): gnomAD exomes 0.00001; ExAC 0.00002; TOPMed 0.00004; gnomAD 0.00005.
gnomAD v4.1: 30 of 1,614,064 alleles (0.0019%); highest among the groups gnomAD compares: Admixed American, 0.012%; no homozygotes.

Submission:

Labcorp Genetics (formerly Invitae), Labcorp
Classification: Uncertain significance. Last evaluated: 2022-08-23. Review status: criteria provided, single submitter. Criteria: Invitae Variant Classification Sherloc (09022015). Collection method: clinical testing. Allele origin: germline.
Comment: In summary, the available evidence is currently insufficient to determine the role of this variant in disease. Therefore, it has been classified as a Variant of Uncertain Significance. Algorithms developed to predict the effect of sequence changes on RNA splicing suggest that this variant may create or strengthen a splice site. This variant has not been reported in the literature in individuals affected with CRAT-related conditions. This variant is present in population databases (rs774894297, gnomAD 0.01%). This sequence change affects codon 226 of the CRAT mRNA. It is a 'silent' change, meaning that it does not change the encoded amino acid sequence of the CRAT protein.